The following is an entry in ClinVar:

NM_000179.3(MSH6):c.2722G>T (p.Glu908Ter)

Gene: MSH6 (mutS homolog 6; plus strand). Cytogenetic location: 2p16.3.
Variant type: single nucleotide variant.
Coding change: c.2722G>T on transcript NM_000179.3 (MANE Select); coding-DNA position 2722, G replaced by T.
Protein change: p.Glu908Ter; replaces glutamic acid 908 with a stop codon.
Molecular consequence: nonsense.
Genome position (GRCh38, 1-based): chr2:47,800,705, G>T. VCF-style: chr2-47800705-G-T. GRCh37 (hg19) VCF-style: chr2-48027844-G-T.
Other names: c.2332G>T, p.Glu778Ter (NM_001281492.2); c.1816G>T, p.Glu606Ter (NM_001281493.2, NM_001281494.2); short protein forms E606*, E778*, E908*.
Identifiers: ClinVar variation 684728 (VCV000684728.4), dbSNP rs886056144, ClinGen allele CA346755358.

ClinVar aggregate classification (germline): Pathogenic. Review status: criteria provided, single submitter (1 of 4 stars). 2 submissions from 2 submitters: Pathogenic (1). 1 of the submissions does not count toward it. Last evaluated 2018-02-22.

Conditions:
Hereditary cancer-predisposing syndrome. Also called: Neoplastic Syndromes, Hereditary; Tumor predisposition; Hereditary neoplastic syndrome; Hereditary Cancer Syndrome. Identifiers: Orphanet 140162, MedGen C0027672, MeSH D009386, MONDO:0015356.
Cerebellar medulloblastoma. Identifiers: MedGen C4024934, HP:0007129.

Submissions (2):

Ambry Genetics
Classification: Pathogenic for Hereditary cancer-predisposing syndrome. Last evaluated: 2018-02-22. Review status: criteria provided, single submitter. Criteria: Ambry Variant Classification Scheme 2023. Collection method: clinical testing. Allele origin: germline.
Comment: The p.E908* pathogenic mutation (also known as c.2722G>T), located in coding exon 4 of the MSH6 gene, results from a G to T substitution at nucleotide position 2722. This changes the amino acid from a glutamic acid to a stop codon within coding exon 4. This alteration is expected to result in loss of function by premature protein truncation or nonsense-mediated mRNA decay. As such, this alteration is interpreted as a disease-causing mutation.

Cancer Genomics Laboratory, Texas Children's Hospital
Classification: Affects for Cerebellar medulloblastoma. Review status: no assertion criteria provided. Collection method: case-control. Allele origin: somatic. Affected: yes. Not counted in ClinVar's aggregate classification.